The following is an entry in ClinVar:

NM_018062.4(FANCL):c.1123C>G (p.His375Asp)

Genes: FANCL (FA complementation group L; minus strand), VRK2 (VRK serine/threonine kinase 2; plus strand). Cytogenetic location: 2p16.1.
Variant type: single nucleotide variant.
Coding change: c.1123C>G on transcript NM_018062.4 (MANE Select); coding-DNA position 1123, C replaced by G.
Protein change: p.His375Asp; replaces histidine 375 with aspartic acid.
Molecular consequence: missense variant. On other transcripts: 3 prime UTR variant (9).
Genome position (GRCh38, 1-based): chr2:58,159,770, G>C on the plus strand (C>G on the coding strand, the complement: FANCL is on the minus strand). VCF-style: chr2-58159770-G-C. GRCh37 (hg19) VCF-style: chr2-58386905-G-C.
Other names: c.1138C>G, p.His380Asp (NM_001114636.2); c.1168C>G, p.His390Asp (NM_001374615.1); c.1183C>G, p.His395Asp (NM_001410792.1); c.*77G>C (NM_001130480.2, NM_001130481.2, NM_001130482.2 and 4 more transcripts); c.*462G>C (NM_001130483.2, NM_001288838.2); short protein forms H395D, H375D, H380D, H390D.
Identifiers: ClinVar variation 1897752 (VCV001897752.2), dbSNP rs1196056444, ClinGen allele CA346930648.

ClinVar aggregate classification (germline): Uncertain significance (1 of 4 stars; one submission).

Conditions:
Fanconi anemia (FA). Also called: Fanconi's anemia. Identifiers: Orphanet 84, MedGen C0015625, MeSH D005199, MONDO:0019391.

Allele frequency attached by ClinVar (database versions not stated): gnomAD 0.00001; gnomAD exomes 0.00001.
gnomAD v4.1: 4 of 1,612,958 alleles (0.00025%); highest among the groups gnomAD compares: Middle Eastern, 0.016%; no homozygotes.

Submission:

Labcorp Genetics (formerly Invitae), Labcorp
Classification: Uncertain significance for Fanconi anemia. Last evaluated: 2022-05-04. Review status: criteria provided, single submitter. Criteria: Invitae Variant Classification Sherloc (09022015). Collection method: clinical testing. Allele origin: germline.
Comment: This sequence change replaces histidine, which is basic and polar, with aspartic acid, which is acidic and polar, at codon 375 of the FANCL protein (p.His375Asp). This variant is present in population databases (no rsID available, gnomAD 0.002%). This variant has not been reported in the literature in individuals affected with FANCL-related conditions. Algorithms developed to predict the effect of missense changes on protein structure and function (SIFT, PolyPhen-2, Align-GVGD) all suggest that this variant is likely to be tolerated. In summary, the available evidence is currently insufficient to determine the role of this variant in disease. Therefore, it has been classified as a Variant of Uncertain Significance.